The following is an entry in ClinVar:

NM_016592.5(GNAS):c.362C>T (p.Ser121Phe)

Genes: GNAS (GNAS complex locus; plus strand), GNAS-AS1 (GNAS antisense RNA 1; minus strand). Cytogenetic location: 20q13.32.
Variant type: single nucleotide variant.
Coding change: c.362C>T on transcript NM_016592.5 (MANE Plus Clinical); coding-DNA position 362, C replaced by T.
Protein change: p.Ser121Phe; replaces serine 121 with phenylalanine.
Molecular consequence: missense variant. On other transcripts: 5 prime UTR variant (1).
Genome position (GRCh38, 1-based): chr20:58,840,468, C>T. VCF-style: chr20-58840468-C-T. GRCh37 (hg19) VCF-style: chr20-57415523-C-T.
Other names: c.-376C>T (NM_001410912.1); short protein forms S121F.
Identifiers: ClinVar variation 931706 (VCV000931706.6), dbSNP rs770140447, ClinGen allele CA9926309.

ClinVar aggregate classification (germline): Uncertain significance. Review status: criteria provided, single submitter (1 of 4 stars). 2 submissions from 2 submitters: Uncertain significance (1). 1 of the submissions does not count toward it. Last evaluated 2019-09-05.

Conditions:
GNAS-related disorder. Identifiers: MedGen CN380105.
Pseudohypoparathyroidism type 1B (PHP1B). Also called: Pseudohypoparathyroidism Ib (PHP-Ib); PHP IB; Pseudohypoparathyroidism Type IB. Identifiers: Orphanet 94089, MedGen C1864100, MONDO:0011301, OMIM 603233.

Allele frequency attached by ClinVar (database versions not stated): TOPMed below 0.00001; gnomAD exomes below 0.00001 and 0.00001; ExAC 0.00002.
gnomAD v4.1: 5 of 1,613,452 alleles (0.00031%); highest among the groups gnomAD compares: Non-Finnish European, 0.00042%; no homozygotes.

Submissions (2):

Centre for Mendelian Genomics, University Medical Centre Ljubljana
Classification: Uncertain significance for Pseudohypoparathyroidism type 1B. Last evaluated: 2019-09-05. Review status: criteria provided, single submitter. Criteria: ACMG Guidelines, 2015. Collection method: clinical testing. Allele origin: unknown. Affected: yes.
Comment: This variant was classified as: Uncertain significance. The available evidence on this variant's pathogenicity is insufficient or conflicting. The following ACMG criteria were applied in classifying this variant: BP4.

PreventionGenetics, part of Exact Sciences
Classification: Uncertain significance for GNAS-related condition. Last evaluated: 2024-06-08. Review status: no assertion criteria provided. Collection method: clinical testing. Allele origin: germline. Not counted in ClinVar's aggregate classification.
Comment: The GNAS c.362C>T variant is predicted to result in the amino acid substitution p.Ser121Phe. To our knowledge, this variant has not been reported in the literature. This variant is reported in 0.0027% of alleles in individuals of European (Non-Finnish) descent in gnomAD. At this time, the clinical significance of this variant is uncertain due to the absence of conclusive functional and genetic evidence.